The following is an entry in ClinVar:

NM_017617.5(NOTCH1):c.5519A>G (p.His1840Arg)

Gene: NOTCH1 (notch receptor 1; minus strand). Cytogenetic location: 9q34.3.
Variant type: single nucleotide variant.
Coding change: c.5519A>G on transcript NM_017617.5 (MANE Select); coding-DNA position 5519, A replaced by G.
Protein change: p.His1840Arg; replaces histidine 1840 with arginine.
Molecular consequence: missense variant.
Genome position (GRCh38, 1-based): chr9:136,501,867, T>C on the plus strand (A>G on the coding strand, the complement: NOTCH1 is on the minus strand). VCF-style: chr9-136501867-T-C. GRCh37 (hg19) VCF-style: chr9-139396319-T-C.
Other names: short protein forms H1840R.
Identifiers: ClinVar variation 2754648 (VCV002754648.3), dbSNP rs927761523, ClinGen allele CA201641058.

ClinVar aggregate classification (germline): Uncertain significance (1 of 4 stars; one submission).

Conditions:
Adams-Oliver syndrome 5 (AOS5). Identifiers: Orphanet 974, MedGen C4014970, MONDO:0014459, OMIM 616028.

Allele frequency attached by ClinVar (database versions not stated): gnomAD exomes below 0.00001.
gnomAD v4.1: 1 of 1,612,398 alleles (0.000062%); highest among the groups gnomAD compares: African/African-American, 0.0013%; no homozygotes.

Submission:

Labcorp Genetics (formerly Invitae), Labcorp
Classification: Uncertain significance for Adams-Oliver syndrome 5. Last evaluated: 2023-08-23. Review status: criteria provided, single submitter. Criteria: Invitae Variant Classification Sherloc (09022015). Collection method: clinical testing. Allele origin: germline.
Comment: This sequence change replaces histidine, which is basic and polar, with arginine, which is basic and polar, at codon 1840 of the NOTCH1 protein (p.His1840Arg). This variant is not present in population databases (gnomAD no frequency). This variant has not been reported in the literature in individuals affected with NOTCH1-related conditions. Advanced modeling of protein sequence and biophysical properties (such as structural, functional, and spatial information, amino acid conservation, physicochemical variation, residue mobility, and thermodynamic stability) performed at Invitae indicates that this missense variant is not expected to disrupt NOTCH1 protein function. In summary, the available evidence is currently insufficient to determine the role of this variant in disease. Therefore, it has been classified as a Variant of Uncertain Significance.